The following is an entry in ClinVar:

ClinVar aggregate classification (germline): Uncertain significance (1 of 4 stars; one submission).

Submission:

GeneDx
Classification: Uncertain significance. Last evaluated: 2019-09-19. Review status: criteria provided, single submitter. Criteria: GeneDx Variant Classification Process June 2021. Collection method: clinical testing. Allele origin: germline. Affected: yes.
Comment: Not observed in large population cohorts (Lek et al., 2016); In silico analysis, which includes protein predictors and evolutionary conservation, supports a deleterious effect; Has not been previously published as pathogenic or benign to our knowledge

NM_001349253.2(SCN11A):c.3348G>C (p.Lys1116Asn)

Gene: SCN11A (sodium voltage-gated channel alpha subunit 11; minus strand). Cytogenetic location: 3p22.2.
Variant type: single nucleotide variant.
Coding change: c.3348G>C on transcript NM_001349253.2 (MANE Select); coding-DNA position 3348, G replaced by C.
Protein change: p.Lys1116Asn; replaces lysine 1116 with asparagine.
Molecular consequence: missense variant.
Genome position (GRCh38, 1-based): chr3:38,879,995, C>G on the plus strand (G>C on the coding strand, the complement: SCN11A is on the minus strand). VCF-style: chr3-38879995-C-G. GRCh37 (hg19) VCF-style: chr3-38921486-C-G.
Other names: c.3348G>C, p.Lys1116Asn (NM_014139.3); short protein forms K1116N.
Identifiers: ClinVar variation 1303225 (VCV001303225.2), dbSNP rs2126103755, ClinGen allele CA352172573.
Genomic context (GRCh38, chr3:38,879,995, plus strand): 5'-AGATGGTAAACTTACAATCACAATGATGAAATCAAGGCAGCACCAGGCACTGGTGAAATA[C>G]TTTCCAAATCCGAAGGCTACCCATTTTAGTACCATCTCCAGGATAAAAATATGTGTAAAA-3'
Protein context (NP_001336182.1, residues 1106-1126): VLKWVAFGFG[Lys1116Asn]YFTSAWCCLD